The following is an entry in ClinVar:

ClinVar aggregate classification (germline): Uncertain significance. Review status: criteria provided, single submitter (1 of 4 stars). 2 submissions from 2 submitters: Uncertain significance (1). 1 of the submissions does not count toward it. Last evaluated 2024-10-01.

Conditions:
Inborn genetic diseases. Identifiers: MedGen C0950123, MeSH D030342.
VPS13B-related disorder. Also called: VPS13B-related condition.

Allele frequency attached by ClinVar (database versions not stated): gnomAD 0.00001; TOPMed 0.00001.
gnomAD v4.1: 1 of 1,613,918 alleles (0.000062%); highest among the groups gnomAD compares: African/African-American, 0.0013%; no homozygotes.

Submissions (2):

Ambry Genetics
Classification: Uncertain significance for Inborn genetic diseases. Last evaluated: 2024-10-01. Review status: criteria provided, single submitter. Criteria: Ambry Variant Classification Scheme 2023. Collection method: clinical testing. Allele origin: germline.

PreventionGenetics, part of Exact Sciences
Classification: Uncertain significance for VPS13B-related condition. Last evaluated: 2024-01-04. Review status: no assertion criteria provided. Collection method: clinical testing. Allele origin: germline. Not counted in ClinVar's aggregate classification.
Comment: The VPS13B c.7622G>T variant is predicted to result in the amino acid substitution p.Ser2541Ile. To our knowledge, this variant has not been reported in the literature. This variant is reported in 0.0062% of alleles in individuals of African descent in gnomAD. At this time, the clinical significance of this variant is uncertain due to the absence of conclusive functional and genetic evidence.

NM_152564.5(VPS13B):c.7622G>T (p.Ser2541Ile)

Gene: VPS13B (vacuolar protein sorting 13 homolog B; plus strand). Cytogenetic location: 8q22.2.
Variant type: single nucleotide variant.
Coding change: c.7622G>T on transcript NM_152564.5 (MANE Select); coding-DNA position 7622, G replaced by T.
Protein change: p.Ser2541Ile; replaces serine 2541 with isoleucine.
Molecular consequence: missense variant.
Genome position (GRCh38, 1-based): chr8:99,778,874, G>T. VCF-style: chr8-99778874-G-T. GRCh37 (hg19) VCF-style: chr8-100791102-G-T.
Other names: c.7697G>T, p.Ser2566Ile (NM_017890.5); c.7697G>T (NM_017890.3); short protein forms S2541I, S2566I.
Identifiers: ClinVar variation 3030189 (VCV003030189.3), dbSNP rs762137925, ClinGen allele CA371876367.